The following is an entry in ClinVar:

ClinVar aggregate classification (germline): Uncertain significance (1 of 4 stars; one submission).

Conditions:
Early Myoclonic Encephalopathy. Identifiers: MedGen C0270855.

Submission:

Labcorp Genetics (formerly Invitae), Labcorp
Classification: Uncertain significance for Early Myoclonic Encephalopathy. Last evaluated: 2022-11-23. Review status: criteria provided, single submitter. Criteria: Invitae Variant Classification Sherloc (09022015). Collection method: clinical testing. Allele origin: germline.
Comment: In summary, the available evidence is currently insufficient to determine the role of this variant in disease. Therefore, it has been classified as a Variant of Uncertain Significance. This sequence change replaces aspartic acid, which is acidic and polar, with asparagine, which is neutral and polar, at codon 1611 of the JMJD1C protein (p.Asp1611Asn). This variant is not present in population databases (gnomAD no frequency). This variant has not been reported in the literature in individuals affected with JMJD1C-related conditions. Advanced modeling of protein sequence and biophysical properties (such as structural, functional, and spatial information, amino acid conservation, physicochemical variation, residue mobility, and thermodynamic stability) performed at Invitae indicates that this missense variant is not expected to disrupt JMJD1C protein function.

NM_032776.3(JMJD1C):c.4831G>A (p.Asp1611Asn)

Gene: JMJD1C (jumonji domain containing 1C; minus strand). Cytogenetic location: 10q21.3.
Variant type: single nucleotide variant.
Coding change: c.4831G>A on transcript NM_032776.3 (MANE Select); coding-DNA position 4831, G replaced by A.
Protein change: p.Asp1611Asn; replaces aspartic acid 1611 with asparagine.
Molecular consequence: missense variant. On other transcripts: non-coding transcript variant (1).
Genome position (GRCh38, 1-based): chr10:63,206,838, C>T on the plus strand (G>A on the coding strand, the complement: JMJD1C is on the minus strand). VCF-style: chr10-63206838-C-T. GRCh37 (hg19) VCF-style: chr10-64966598-C-T.
Other names: c.4285G>A, p.Asp1429Asn (NM_001282948.2, NM_001318154.2); c.3967G>A, p.Asp1323Asn (NM_001318153.2); c.4717G>A, p.Asp1573Asn (NM_001322252.2); c.4174G>A, p.Asp1392Asn (NM_001322254.2, NM_001322258.2); short protein forms D1392N, D1573N, D1323N, D1611N, D1429N.
Identifiers: ClinVar variation 2815614 (VCV002815614.3), dbSNP rs2492664869, ClinGen allele CA377036283.